The following is an entry in ClinVar:

ClinVar aggregate classification (germline): Uncertain significance. Review status: criteria provided, multiple submitters, no conflicts (2 of 4 stars). 3 submissions from 3 submitters: Uncertain significance (3). Last evaluated 2025-04-25.

Conditions:
Charcot-Marie-Tooth disease recessive intermediate C. Also called: CHARCOT-MARIE-TOOTH NEUROPATHY, RECESSIVE INTERMEDIATE C. Identifiers: Orphanet 369867, MedGen C3809309, MONDO:0014154, OMIM 615376.
Neuronopathy, distal hereditary motor, autosomal recessive 4. Also called: Autosomal recessive lower motor neuron disease with childhood onset; NEUROPATHY, DISTAL HEREDITARY MOTOR, AUTOSOMAL RECESSIVE 4. Identifiers: Orphanet 206580, MedGen C1970211, MONDO:0012608, OMIM 611067.
Inborn genetic diseases. Identifiers: MedGen C0950123, MeSH D030342.

Allele frequency attached by ClinVar (database versions not stated): gnomAD exomes 0.00004; ExAC 0.00006; 1000 Genomes Project 30x 0.00031; 1000 Genomes Project 0.00040.
gnomAD v4.1: 39 of 1,612,514 alleles (0.0024%); highest among the groups gnomAD compares: Non-Finnish European, 0.0029%; 1 homozygote.

Submissions (3):

GeneDx
Classification: Uncertain significance. Last evaluated: 2025-04-25. Review status: criteria provided, single submitter. Criteria: GeneDx Variant Classification Process June 2021. Collection method: clinical testing. Allele origin: germline. Affected: yes.
Comment: Not observed at significant frequency in large population cohorts (gnomAD); In silico analysis indicates that this missense variant does not alter protein structure/function; Has not been previously published as pathogenic or benign to our knowledge; This variant is associated with the following publications: (PMID: 29487696)

Ambry Genetics
Classification: Uncertain significance for Inborn genetic diseases. Last evaluated: 2022-07-08. Review status: criteria provided, single submitter. Criteria: Ambry Variant Classification Scheme 2023. Collection method: clinical testing. Allele origin: germline.
Comment: The p.E717K variant (also known as c.2149G>A), located in coding exon 18 of the PLEKHG5 gene, results from a G to A substitution at nucleotide position 2149. The glutamic acid at codon 717 is replaced by lysine, an amino acid with similar properties. This amino acid position is conserved. In addition, this alteration is predicted to be tolerated by in silico analysis. Since supporting evidence is limited at this time, the clinical significance of this alteration remains unclear.

Labcorp Genetics (formerly Invitae), Labcorp
Classification: Uncertain significance for Neuronopathy, distal hereditary motor, autosomal recessive 4; Charcot-Marie-Tooth disease recessive intermediate C. Last evaluated: 2022-05-31. Review status: criteria provided, single submitter. Criteria: Invitae Variant Classification Sherloc (09022015). Collection method: clinical testing. Allele origin: germline.
Comment: This sequence change replaces glutamic acid, which is acidic and polar, with lysine, which is basic and polar, at codon 717 of the PLEKHG5 protein (p.Glu717Lys). The frequency data for this variant in the population databases is considered unreliable, as metrics indicate poor data quality at this position in the gnomAD database. This variant has not been reported in the literature in individuals affected with PLEKHG5-related conditions. ClinVar contains an entry for this variant (Variation ID: 843557). Algorithms developed to predict the effect of missense changes on protein structure and function (SIFT, PolyPhen-2, Align-GVGD) all suggest that this variant is likely to be tolerated. In summary, the available evidence is currently insufficient to determine the role of this variant in disease. Therefore, it has been classified as a Variant of Uncertain Significance.

NM_020631.6(PLEKHG5):c.2149G>A (p.Glu717Lys)

Gene: PLEKHG5 (pleckstrin homology and RhoGEF domain containing G5; minus strand). Cytogenetic location: 1p36.31.
Variant type: single nucleotide variant.
Coding change: c.2149G>A on transcript NM_020631.6 (MANE Select); coding-DNA position 2149, G replaced by A.
Protein change: p.Glu717Lys; replaces glutamic acid 717 with lysine.
Molecular consequence: missense variant.
Genome position (GRCh38, 1-based): chr1:6,469,142, C>T on the plus strand (G>A on the coding strand, the complement: PLEKHG5 is on the minus strand). VCF-style: chr1-6469142-C-T. GRCh37 (hg19) VCF-style: chr1-6529202-C-T.
Other names: c.2260G>A, p.Glu754Lys (NM_001042663.3, NM_001265592.2); c.2149G>A, p.Glu717Lys (NM_001042664.2, NM_001042665.2, NM_001265594.3 and 1 more transcripts); c.2356G>A, p.Glu786Lys (NM_001265593.2); short protein forms E786K, E717K, E754K.
Identifiers: ClinVar variation 843557 (VCV000843557.10), dbSNP rs184242303, ClinGen allele CA561242.